The following is an entry in ClinVar:

ClinVar aggregate classification (germline): Conflicting classifications of pathogenicity. Review status: criteria provided, conflicting classifications (1 of 4 stars). 4 submissions from 4 submitters: Uncertain significance (1); Likely benign (2). 1 of the submissions does not count toward it. Last evaluated 2025-07-27.

Conditions:
ABCG5-related disorder. Also called: ABCG5-related condition.
Cardiovascular phenotype. Identifiers: MedGen CN230736.
Sitosterolemia (STSL). Also called: PHYTOSTEROLEMIA. Identifiers: Orphanet 2882, MedGen C0342907, MONDO:0008863.

Allele frequency attached by ClinVar (database versions not stated): TOPMed 0.00004; gnomAD 0.00001.
gnomAD v4.1: 34 of 1,613,830 alleles (0.0021%); highest among the groups gnomAD compares: Admixed American, 0.027%; no homozygotes.

Submissions (4):

Labcorp Genetics (formerly Invitae), Labcorp
Classification: Likely benign for Sitosterolemia. Last evaluated: 2025-07-27. Review status: criteria provided, single submitter. Criteria: Invitae Variant Classification Sherloc (09022015). Collection method: clinical testing. Allele origin: germline.

Ambry Genetics
Classification: Likely benign for Cardiovascular phenotype. Last evaluated: 2019-10-28. Review status: criteria provided, single submitter. Criteria: Ambry Variant Classification Scheme 2023. Collection method: clinical testing. Allele origin: germline.

Eurofins Ntd Llc (ga)
Classification: Uncertain significance. Last evaluated: 2017-09-15. Review status: criteria provided, single submitter. Criteria: EGL Classification Definitions 2015. Collection method: clinical testing. Allele origin: germline. Observed: 1 variant allele, 1 heterozygote.

PreventionGenetics, part of Exact Sciences
Classification: Likely benign for ABCG5-related condition. Last evaluated: 2022-02-02. Review status: no assertion criteria provided. Collection method: clinical testing. Allele origin: germline. Not counted in ClinVar's aggregate classification.
Comment: This variant is classified as likely benign based on ACMG/AMP sequence variant interpretation guidelines (Richards et al. 2015 PMID: 25741868, with internal and published modifications).

NM_022436.3(ABCG5):c.828G>A (p.Thr276=)

Genes: ABCG5 (ATP binding cassette subfamily G member 5; minus strand), DYNC2LI1 (dynein cytoplasmic 2 light intermediate chain 1; plus strand). Cytogenetic location: 2p21.
Variant type: single nucleotide variant.
Coding change: c.828G>A on transcript NM_022436.3 (MANE Select); coding-DNA position 828, G replaced by A.
Protein change: p.Thr276=; no amino-acid change (threonine 276 retained).
Molecular consequence: synonymous variant. On other transcripts: intron variant (2).
Genome position (GRCh38, 1-based): chr2:43,824,965, C>T on the plus strand (G>A on the coding strand, the complement: ABCG5 is on the minus strand). VCF-style: chr2-43824965-C-T. GRCh37 (hg19) VCF-style: chr2-44052104-C-T.
Other names: c.*16-2421C>T (NM_001348913.2, NM_001348912.2).
Identifiers: ClinVar variation 594097 (VCV000594097.19), dbSNP rs539178581, ClinGen allele CA1636495.